The following is an entry in ClinVar:

ClinVar aggregate classification (germline): Uncertain significance (1 of 4 stars; one submission).

Conditions:
RYR1-related disorder. Also called: RYR1-related condition; RYR1-related disorders. Identifiers: MedGen CN239331.

Submission:

Labcorp Genetics (formerly Invitae), Labcorp
Classification: Uncertain significance for RYR1-related disorder. Last evaluated: 2021-03-23. Review status: criteria provided, single submitter. Criteria: Invitae Variant Classification Sherloc (09022015). Collection method: clinical testing. Allele origin: germline.
Comment: In summary, the available evidence is currently insufficient to determine the role of this variant in disease. Therefore, it has been classified as a Variant of Uncertain Significance. Advanced modeling of protein sequence and biophysical properties (such as structural, functional, and spatial information, amino acid conservation, physicochemical variation, residue mobility, and thermodynamic stability) performed at Invitae indicates that this missense variant is expected to disrupt RYR1 protein function. This variant has not been reported in the literature in individuals with RYR1-related conditions. This variant is not present in population databases (ExAC no frequency). This sequence change replaces alanine with aspartic acid at codon 399 of the RYR1 protein (p.Ala399Asp). The alanine residue is highly conserved and there is a moderate physicochemical difference between alanine and aspartic acid.

NM_000540.3(RYR1):c.1196C>A (p.Ala399Asp)

Gene: RYR1 (ryanodine receptor 1; plus strand). Cytogenetic location: 19q13.2.
Variant type: single nucleotide variant.
Coding change: c.1196C>A on transcript NM_000540.3 (MANE Select); coding-DNA position 1196, C replaced by A.
Protein change: p.Ala399Asp; replaces alanine 399 with aspartic acid.
Molecular consequence: missense variant.
Genome position (GRCh38, 1-based): chr19:38,451,837, C>A. VCF-style: chr19-38451837-C-A. GRCh37 (hg19) VCF-style: chr19-38942477-C-A.
Other names: c.1196C>A, p.Ala399Asp (NM_001042723.2); short protein forms A399D.
Identifiers: ClinVar variation 1494826 (VCV001494826.8), dbSNP rs1443878514, ClinGen allele CA405683823.